The following is an entry in ClinVar:

ClinVar aggregate classification (germline): Benign (1 of 4 stars; one submission).

Allele frequency attached by ClinVar (database versions not stated): gnomAD 0.21323 and 0.22144; TOPMed 0.22866; 1000 Genomes Project 0.23083; 1000 Genomes Project 30x 0.24079.
gnomAD v4.1: 32,227 of 152,130 alleles (21%); highest among the groups gnomAD compares: African/African-American, 57%; 7,133 homozygotes.

Submission:

GeneDx
Classification: Benign. Last evaluated: 2018-06-14. Review status: criteria provided, single submitter. Criteria: GeneDx Variant Classification (06012015). Collection method: clinical testing. Allele origin: germline. Affected: yes.
Comment: This variant is considered likely benign or benign based on one or more of the following criteria: it is a conservative change, it occurs at a poorly conserved position in the protein, it is predicted to be benign by multiple in silico algorithms, and/or has population frequency not consistent with disease.

NM_170707.4(LMNA):c.513+175T>C

Genes: LMNA (lamin A/C; plus strand), LOC126805877 (MED14-independent group 3 enhancer GRCh37_chr1:156099693-156100892; plus strand). Cytogenetic location: 1q22.
Variant type: single nucleotide variant.
Coding change: c.513+175T>C on transcript NM_170707.4 (MANE Select); 175 bases into the intron after coding-DNA position 513, T replaced by C.
Molecular consequence: intron variant.
Genome position (GRCh38, 1-based): chr1:156,130,948, T>C. VCF-style: chr1-156130948-T-C. GRCh37 (hg19) VCF-style: chr1-156100739-T-C.
Other names: c.513+175T>C (NM_001282625.2, NM_001282626.2, NM_170708.4 and 1 more transcripts); c.177+175T>C (NM_001257374.3); c.270+175T>C (NM_001282624.2).
Identifiers: ClinVar variation 672782 (VCV000672782.1), dbSNP rs577492, ClinGen allele CA10816033.